The following is an entry in ClinVar:

ClinVar aggregate classification (germline): Pathogenic (1 of 4 stars; one submission).

Conditions:
Hyperinsulinemic hypoglycemia, familial, 1 (HHF1). Also called: HYPERINSULINISM, FAMILIAL, WITH PANCREATIC NESIDIOBLASTOSIS; HYPOGLYCEMIA, HYPERINSULINEMIC, OF INFANCY; NESIDIOBLASTOSIS OF PANCREAS; Persistent Hyperinsulinemia Hypoglycemia of Infancy; Persistent hyperinsulinemic hypoglycemia of infancy. Identifiers: Orphanet 276575, Orphanet 276598, MedGen C2931832, MONDO:0009734, OMIM 256450.

Submission:

Myriad Genetics, Inc.
Classification: Pathogenic for Hyperinsulinemic hypoglycemia, familial, 1. Last evaluated: 2023-09-27. Review status: criteria provided, single submitter. Criteria: Myriad Autosomal Dominant, Autosomal Recessive and X-Linked Classification Criteria (2023). Collection method: clinical testing. Allele origin: unknown.
Comment: NM_000352.3(ABCC8):c.2544dupC(V849Rfs*6) is expected to be pathogenic in the context of familial hyperinsulinism, ABCC8-related. This variant is predicted to lead to an abnormal or absent protein product due to the creation of a premature termination codon in ABCC8, a gene where loss-of-function variants are known to be pathogenic. Please note: this variant was assessed in the context of healthy population screening.

NM_000352.6(ABCC8):c.2544dup (p.Val849fs)

Gene: ABCC8 (ATP binding cassette subfamily C member 8; minus strand). Cytogenetic location: 11p15.1.
Variant type: Duplication.
Coding change: c.2544dup on transcript NM_000352.6 (MANE Select); coding-DNA position 2544, one base duplicated (C; older notation c.2544dupC).
Protein change: p.Val849fs; shifts the reading frame from valine 849.
Molecular consequence: frameshift variant. On other transcripts: non-coding transcript variant (1).
Genome position (GRCh38, 1-based): chr11:17,412,678, G duplicated on the plus strand (C on the coding strand, the reverse complement: ABCC8 is on the minus strand). VCF-style (leftmost placement, unchanged base first): chr11-17412677-C-CG. GRCh37 (hg19) VCF-style: chr11-17434224-C-CG.
Other names: c.2547dup, p.Val850fs (NM_001287174.3); c.2610dup, p.Val871fs (NM_001351295.2); c.2544dup, p.Val849fs (NM_001351296.2); c.2541dup, p.Val848fs (NM_001351297.2); short protein forms V848fs, V849fs, V850fs, V871fs.
Identifiers: ClinVar variation 5011977 (VCV005011977.1).
Genomic context (GRCh38, chr11:17,412,677, plus strand): 5'-GGCCTGGGAGGCAGCCAGAGACCAGGACCCCAAGGGAACTTGCACTCACCAAGAAGACAA[C>CG]GTTGGCGTGCTGGTAGAGGGCTCGGGCCACACTGATTCGCTGGCGTTGACCACCAGACAG-3'